The following is an entry in ClinVar:

NM_001287.6(CLCN7):c.2290C>A (p.Leu764Met)

Gene: CLCN7 (chloride voltage-gated channel 7; minus strand). Cytogenetic location: 16p13.3.
Variant type: single nucleotide variant.
Coding change: c.2290C>A on transcript NM_001287.6 (MANE Select); coding-DNA position 2290, C replaced by A.
Protein change: p.Leu764Met; replaces leucine 764 with methionine.
Molecular consequence: missense variant.
Genome position (GRCh38, 1-based): chr16:1,447,047, G>T on the plus strand (C>A on the coding strand, the complement: CLCN7 is on the minus strand). VCF-style: chr16-1447047-G-T. GRCh37 (hg19) VCF-style: chr16-1497048-G-T.
Other names: c.2218C>A, p.Leu740Met (NM_001114331.3); short protein forms L764M, L740M.
Identifiers: ClinVar variation 3637156 (VCV003637156.2).

ClinVar aggregate classification (germline): Uncertain significance (1 of 4 stars; one submission).

Submission:

Labcorp Genetics (formerly Invitae), Labcorp
Classification: Uncertain significance. Last evaluated: 2024-09-21. Review status: criteria provided, single submitter. Criteria: Invitae Variant Classification Sherloc (09022015). Collection method: clinical testing. Allele origin: germline.
Comment: This sequence change replaces leucine, which is neutral and non-polar, with methionine, which is neutral and non-polar, at codon 764 of the CLCN7 protein (p.Leu764Met). This variant is not present in population databases (gnomAD no frequency). This missense change has been observed in individual(s) with autosomal recessive osteopetrosis (internal data). Invitae Evidence Modeling of protein sequence and biophysical properties (such as structural, functional, and spatial information, amino acid conservation, physicochemical variation, residue mobility, and thermodynamic stability) indicates that this missense variant is not expected to disrupt CLCN7 protein function with a negative predictive value of 95%. In summary, the available evidence is currently insufficient to determine the role of this variant in disease. Therefore, it has been classified as a Variant of Uncertain Significance.